The following is an entry in ClinVar:

NM_000222.3(KIT):c.1648-3C>T

Gene: KIT (KIT proto-oncogene, receptor tyrosine kinase; plus strand). Cytogenetic location: 4q12.
Variant type: single nucleotide variant.
Coding change: c.1648-3C>T on transcript NM_000222.3 (MANE Select); 3 bases into the intron before coding-DNA position 1648, C replaced by T.
Molecular consequence: intron variant.
Genome position (GRCh38, 1-based): chr4:54,727,413, C>T. VCF-style: chr4-54727413-C-T. GRCh37 (hg19) VCF-style: chr4-55593579-C-T.
Other names: c.1651-3C>T (NM_001385284.1, NM_001385290.1); c.1639-3C>T (NM_001385288.1, NM_001385292.1); c.1648-3C>T (NM_001385285.1); c.1636-3C>T (NM_001093772.2, NM_001385286.1).
Identifiers: ClinVar variation 1381328 (VCV001381328.6), dbSNP rs1722298670, ClinGen allele CA1458738725.

ClinVar aggregate classification (germline): Uncertain significance (1 of 4 stars; one submission).

Conditions:
Gastrointestinal stromal tumor. Also called: Gastrointestinal stroma tumor; Gastrointestinal stromal tumor, somatic. Identifiers: Orphanet 44890, MedGen C0238198, MeSH D046152, MONDO:0011719, OMIM 606764, HP:0100723.

Submission:

Labcorp Genetics (formerly Invitae), Labcorp
Classification: Uncertain significance for Gastrointestinal stromal tumor. Last evaluated: 2021-09-09. Review status: criteria provided, single submitter. Criteria: Invitae Variant Classification Sherloc (09022015). Collection method: clinical testing. Allele origin: germline.
Comment: In summary, the available evidence is currently insufficient to determine the role of this variant in disease. Therefore, it has been classified as a Variant of Uncertain Significance. This sequence change falls in intron 10 of the KIT gene. It does not directly change the encoded amino acid sequence of the KIT protein. It affects a nucleotide within the consensus splice site of the intron. This variant is not present in population databases (ExAC no frequency). This variant has not been reported in the literature in individuals affected with KIT-related conditions. Variants that disrupt the consensus splice site are a relatively common cause of aberrant splicing (PMID: 17576681, 9536098). Algorithms developed to predict the effect of sequence changes on RNA splicing suggest that this variant is not likely to affect RNA splicing.

Literature cited by the submitters: PubMed 17576681; PubMed 9536098.